The following is an entry in ClinVar:

ClinVar aggregate classification (germline): Likely benign. Review status: criteria provided, multiple submitters, no conflicts (2 of 4 stars). 2 submissions from 2 submitters: Likely benign (2). Last evaluated 2024-07-01.

Conditions:
Familial acute necrotizing encephalopathy (IIAE3). Also called: ENCEPHALOPATHY, ACUTE, INFECTION-INDUCED, SUSCEPTIBILITY TO, 3; Susceptibility to Acute Necrotizing Encephalopathy 1. Identifiers: Orphanet 88619, MedGen C2675556, MONDO:0011953, OMIM 608033.

Allele frequency attached by ClinVar (database versions not stated): gnomAD exomes 0.00001; ExAC 0.00002.
gnomAD v4.1: 3 of 1,611,960 alleles (0.00019%); highest among the groups gnomAD compares: Non-Finnish European, 0.00017%; no homozygotes.

Submissions (2):

CeGaT Center for Human Genetics Tuebingen
Classification: Likely benign. Last evaluated: 2024-07-01. Review status: criteria provided, single submitter. Criteria: CeGaT Center For Human Genetics Tuebingen Variant Classification Criteria Version 2. Collection method: clinical testing. Allele origin: germline. Affected: yes. Observed: 1 variant allele.
Comment: RANBP2: BP4, BP7

Labcorp Genetics (formerly Invitae), Labcorp
Classification: Likely benign for Familial acute necrotizing encephalopathy. Last evaluated: 2020-03-19. Review status: criteria provided, single submitter. Criteria: Invitae Variant Classification Sherloc (09022015). Collection method: clinical testing. Allele origin: germline.

NM_006267.5(RANBP2):c.2337A>C (p.Thr779=)

Gene: RANBP2 (RAN binding protein 2; plus strand). Cytogenetic location: 2q13.
Variant type: single nucleotide variant.
Coding change: c.2337A>C on transcript NM_006267.5 (MANE Select); coding-DNA position 2337, A replaced by C.
Protein change: p.Thr779=; no amino-acid change (threonine 779 retained).
Molecular consequence: synonymous variant.
Genome position (GRCh38, 1-based): chr2:108,755,039, A>C. VCF-style: chr2-108755039-A-C. GRCh37 (hg19) VCF-style: chr2-109371495-A-C.
Identifiers: ClinVar variation 1102571 (VCV001102571.25), dbSNP rs755384601, ClinGen allele CA1822636.
Genomic context (GRCh38, chr2:108,755,039, plus strand): 5'-AGGTCCTCTCTATAAAAATGGTTCTTTGCGAAATGCAGATTCAGAAATAAAACATTCTAC[A>C]CCGTCTCCTACCAGATATTCACTATCACCAAGTAAAAGTTACAAGGTAAACAGGAAAGAA-3'
Protein context (NP_006258.3, residues 769-789): RNADSEIKHS[Thr779=]PSPTRYSLSP